The following is an entry in ClinVar:

NM_001407.3(CELSR3):c.3142C>T (p.Arg1048Trp)

Gene: CELSR3 (cadherin EGF LAG seven-pass G-type receptor 3; minus strand). Cytogenetic location: 3p21.31.
Variant type: single nucleotide variant.
Coding change: c.3142C>T on transcript NM_001407.3 (MANE Select); coding-DNA position 3142, C replaced by T.
Protein change: p.Arg1048Trp; replaces arginine 1048 with tryptophan.
Molecular consequence: missense variant.
Genome position (GRCh38, 1-based): chr3:48,659,493, G>A on the plus strand (C>T on the coding strand, the complement: CELSR3 is on the minus strand). VCF-style: chr3-48659493-G-A. GRCh37 (hg19) VCF-style: chr3-48696926-G-A.
Other names: short protein forms R1048W.
Identifiers: ClinVar variation 2672065 (VCV002672065.1), dbSNP rs560173014, ClinGen allele CA2385167.

ClinVar aggregate classification (germline): Likely pathogenic (0 of 4 stars; one submission).

Conditions:
Congenital anomalies of kidney and urinary tract 1. Also called: Renal hypodysplasia, nonsyndromic, 1; Congenital anomalies of kidney and urinary tract 1, susceptibility to. Identifiers: MedGen C1835826, MONDO:0012561, OMIM 610805.

Allele frequency attached by ClinVar (database versions not stated): TOPMed below 0.00001; gnomAD exomes 0.00001; ExAC 0.00002; gnomAD 0.00003; 1000 Genomes Project 30x 0.00016; 1000 Genomes Project 0.00020.
gnomAD v4.1: 22 of 1,614,198 alleles (0.0014%); highest among the groups gnomAD compares: East Asian, 0.016%; no homozygotes.

Submission:

Institute of Anatomy and Cell Biology, Medical Faculty, University Of Bonn
Classification: Likely pathogenic for Congenital anomalies of kidney and urinary tract 1. Last evaluated: 2023-08-16. Review status: no assertion criteria provided. Collection method: clinical testing. Allele origin: unknown. Affected: yes.
Comment: This variant was observed in homozygosity